The following is an entry in ClinVar:

ClinVar aggregate classification (germline): Uncertain significance. Review status: criteria provided, multiple submitters, no conflicts (2 of 4 stars). 3 submissions from 3 submitters: Uncertain significance (3). Last evaluated 2023-08-22.

Conditions:
Inborn genetic diseases. Identifiers: MedGen C0950123, MeSH D030342.
Roberts-SC phocomelia syndrome (RBS). Also called: LONG BONE DEFICIENCIES ASSOCIATED WITH CLEFT LIP-PALATE; Hypomelia hypotrichosis facial hemangioma syndrome; ESCO2 Spectrum Disorder; Pseudothalidomide syndrome; Appelt-Gerken-Lenz syndrome. Identifiers: Orphanet 3103, MedGen C0392475, MONDO:0100253, OMIM 268300.

Allele frequency attached by ClinVar (database versions not stated): gnomAD exomes 0.00003 and 0.00009; gnomAD 0.00004; TOPMed 0.00006; ExAC 0.00012; 1000 Genomes Project 0.00020; 1000 Genomes Project 30x 0.00031.
gnomAD v4.1: 52 of 1,613,186 alleles (0.0032%); highest among the groups gnomAD compares: East Asian, 0.098%; no homozygotes.

Submissions (3):

Ambry Genetics
Classification: Uncertain significance for Inborn genetic diseases. Last evaluated: 2023-08-22. Review status: criteria provided, single submitter. Criteria: Ambry Variant Classification Scheme 2023. Collection method: clinical testing. Allele origin: germline.

Labcorp Genetics (formerly Invitae), Labcorp
Classification: Uncertain significance. Last evaluated: 2022-04-28. Review status: criteria provided, single submitter. Criteria: Invitae Variant Classification Sherloc (09022015). Collection method: clinical testing. Allele origin: germline.
Comment: This sequence change replaces lysine, which is basic and polar, with isoleucine, which is neutral and non-polar, at codon 221 of the ESCO2 protein (p.Lys221Ile). This variant is present in population databases (rs199665460, gnomAD 0.1%). This variant has not been reported in the literature in individuals affected with ESCO2-related conditions. ClinVar contains an entry for this variant (Variation ID: 909140). Algorithms developed to predict the effect of missense changes on protein structure and function are either unavailable or do not agree on the potential impact of this missense change (SIFT: "Deleterious"; PolyPhen-2: "Possibly Damaging"; Align-GVGD: "Class C0"). In summary, the available evidence is currently insufficient to determine the role of this variant in disease. Therefore, it has been classified as a Variant of Uncertain Significance.

Illumina Laboratory Services, Illumina
Classification: Uncertain significance for Roberts-SC phocomelia syndrome. Last evaluated: 2018-01-13. Review status: criteria provided, single submitter. Criteria: ICSL Variant Classification Criteria 13 December 2019. Collection method: clinical testing. Allele origin: germline.

NM_001017420.3(ESCO2):c.662A>T (p.Lys221Ile)

Gene: ESCO2 (establishment of sister chromatid cohesion N-acetyltransferase 2; plus strand). Cytogenetic location: 8p21.1.
Variant type: single nucleotide variant.
Coding change: c.662A>T on transcript NM_001017420.3 (MANE Select); coding-DNA position 662, A replaced by T.
Protein change: p.Lys221Ile; replaces lysine 221 with isoleucine.
Molecular consequence: missense variant.
Genome position (GRCh38, 1-based): chr8:27,776,970, A>T. VCF-style: chr8-27776970-A-T. GRCh37 (hg19) VCF-style: chr8-27634487-A-T.
Other names: short protein forms K221I.
Identifiers: ClinVar variation 909140 (VCV000909140.7), dbSNP rs199665460, ClinGen allele CA4692088.